The following is an entry in ClinVar:

ClinVar aggregate classification (germline): Uncertain significance (1 of 4 stars; one submission).

Submission:

GeneDx
Classification: Uncertain significance. Last evaluated: 2023-11-24. Review status: criteria provided, single submitter. Criteria: GeneDx Variant Classification Process June 2021. Collection method: clinical testing. Allele origin: germline. Affected: yes.
Comment: Not observed at significant frequency in large population cohorts (gnomAD); In-frame deletion of 1 amino acids in a non-repeat region; In silico analysis supports a deleterious effect on protein structure/function; Has not been previously published as pathogenic or benign to our knowledge

NM_024105.4(ALG12):c.538ATC[1] (p.Ile181del)

Gene: ALG12 (ALG12 alpha-1,6-mannosyltransferase; minus strand). Cytogenetic location: 22q13.33.
Variant type: Microsatellite.
Coding change: c.538ATC[1] on transcript NM_024105.4 (MANE Select); one copy of the 3-base unit ATC starting at c.538; the reference has two copies in a row; one copy, 3 bases deleted; also written c.541_543del.
Protein change: p.Ile181del; deletes isoleucine 181.
Molecular consequence: inframe indel (on NM_024105.3).
Genome position (GRCh38, 1-based): chr22:49,910,015-49,910,017, GAT deleted on the plus strand (ATC on the coding strand, the reverse complement: ALG12 is on the minus strand); deleting any 3 consecutive bases within chr22:49,910,015-49,910,021 gives the same sequence; the position shown is the placement nearest the transcript's 3' end. VCF-style (leftmost placement, unchanged base first): chr22-49910014-CGAT-C. GRCh37 (hg19) VCF-style: chr22-50303662-CGAT-C.
Other names: c.537_539CAT[1], p.Ile181del (NM_024105.3); c.541_543del (NM_024105.3); short protein forms I181del.
Identifiers: ClinVar variation 3364900 (VCV003364900.1).